The following is an entry in ClinVar:

ClinVar aggregate classification (germline): Pathogenic/Likely risk allele. Review status: criteria provided, multiple submitters, no conflicts (2 of 4 stars). 9 submissions from 8 submitters: Pathogenic (7); Likely risk allele (2). Last evaluated 2024-05-13.

Conditions:
Diabetes mellitus, permanent neonatal 4. Also called: INS-Related Permanent Neonatal Diabetes Mellitus. Identifiers: MedGen C5394307, MONDO:0030089, OMIM 618858.
Permanent neonatal diabetes mellitus (PNDM). Identifiers: Orphanet 99885, MedGen C1833104, MONDO:0100164, MONDO:0011643. Disease mechanism: gain of function.
Neonatal insulin-dependent diabetes mellitus. Identifiers: MedGen C3278636, HP:0000857.

Submissions (9):

Labcorp Genetics (formerly Invitae), Labcorp
Classification: Pathogenic. Last evaluated: 2024-05-13. Review status: criteria provided, single submitter. Criteria: Invitae Variant Classification Sherloc (09022015). Collection method: clinical testing. Allele origin: germline.
Comment: This sequence change falls in intron 2 of the INS gene. It does not directly change the encoded amino acid sequence of the INS protein. RNA analysis indicates that this variant induces altered splicing and likely disrupts the C-terminus of the protein. This variant is not present in population databases (gnomAD no frequency). This variant has been observed in individual(s) with maturity onset diabetes of the young and/or permanent neonatal diabetes mellitus (PMID: 22235272, 24622368, 25721872, 30414308). In at least one individual the variant was observed to be de novo. It has also been observed to segregate with disease in related individuals. ClinVar contains an entry for this variant (Variation ID: 211186). Studies have shown that this variant results in activation of a cryptic splice site and introduces a new termination codon (PMID: 22235272). However the mRNA is not expected to undergo nonsense-mediated decay. For these reasons, this variant has been classified as Pathogenic.

ARUP Laboratories, Molecular Genetics and Genomics, ARUP Laboratories
Classification: Pathogenic. Last evaluated: 2023-10-19. Review status: criteria provided, single submitter. Criteria: ARUP Molecular Germline Variant Investigation Process 2024. Collection method: clinical testing. Allele origin: germline.
Comment: The INS c.188-31G>A variant (rs797045623) is reported in the literature in multiple individuals and families affected with maturity onset diabetes of the young or permanent neonatal diabetes mellitus (Alkorta-Aranburu 2014, Busiah 2013, Dusatkova 2015, Garin 2012, Matsuno 2019). This variant is also reported in ClinVar (Variation ID: 211186), and is absent from the Genome Aggregation Database, but is considered a low confidence variant in the database. This is an intronic variant, and computational analyses (Alamut Visual Plus v.1.5.1) predict that this variant may impact splicing by creating a novel cryptic acceptor splice site and weakening the nearby canonical acceptor splice site. Additionally, functional studies demonstrate inclusion of 29 nucleotides of intron 2, and while this may not lead to nonsense-mediated decay, it is expected to create a truncated protein with an altered C-terminus (Garin 2012). Based on available information, this variant is considered to be pathogenic. References: Alkorta-Aranburu G et al. Phenotypic heterogeneity in monogenic diabetes: the clinical and diagnostic utility of a gene panel-based next-generation sequencing approach. Mol Genet Metab. 2014 Dec;113(4):315-320. PMID: 25306193. Busiah K et al. Neuropsychological dysfunction and developmental defects associated with genetic changes in infants with neonatal diabetes mellitus: a prospective cohort study (corrected). Lancet Diabetes Endocrinol. 2013 Nov;1(3):199-207. PMID: 24622368. Dusatkova L et al. Frameshift mutations in the insulin gene leading to prolonged molecule of insulin in two families with Maturity-Onset Diabetes of the Young. Eur J Med Genet. 2015 Apr;58(4):230-4. PMID: 25721872. Garin I et al. Permanent neonatal diabetes caused by creation of an ectopic splice site within the INS gene. PLoS One. 2012;7(1):e29205. PMID: 22235272. Matsuno S et al. Identification of a variant associated with early-onset diabetes in the intron of the insulin gene with exome sequencing. J Diabetes Investig. 2019 Jul;10(4):947-950. PMID: 30414308.

GeneDx
Classification: Pathogenic. Last evaluated: 2021-10-25. Review status: criteria provided, single submitter. Criteria: GeneDx Variant Classification Process June 2021. Collection method: clinical testing. Allele origin: germline. Affected: yes.
Comment: Published functional studies demonstrate a damaging effect; variant leads to the inclusion of 29 base pairs and an altered reading frame (Garin et al., 2012); In silico analysis, which includes splice predictors and evolutionary conservation, suggests this variant may impact gene splicing; This variant is associated with the following publications: (PMID: 25721872, 24622368, 25306193, 30414308, 22235272)

Mendelics
Classification: Pathogenic for Permanent neonatal diabetes mellitus 1. Last evaluated: 2019-05-28. Review status: criteria provided, single submitter. Criteria: Mendelics Assertion Criteria 2017. Collection method: clinical testing. Allele origin: unknown.

Eurofins Ntd Llc (ga)
Classification: Pathogenic. Last evaluated: 2017-01-12. Review status: criteria provided, single submitter. Criteria: EGL Classification Definitions 2015. Collection method: clinical testing. Allele origin: germline. Observed: 1 variant allele, 1 heterozygote.

Center for Pediatric Genomic Medicine, Children's Mercy Hospital and Clinics
Classification: Pathogenic. Last evaluated: 2016-06-28. Review status: criteria provided, single submitter. Criteria: ACMG Guidelines, 2015. Collection method: clinical testing. Allele origin: germline.

Genetic Services Laboratory, University of Chicago
Classification: Pathogenic for Diabetes mellitus, permanent neonatal. Last evaluated: 2015-06-30. Review status: criteria provided, single submitter. Criteria: ACMG Guidelines, 2015. Collection method: clinical testing. Allele origin: germline. Affected: yes.

Clinical Genomics, Uppaluri K&H Personalized Medicine Clinic
Classification: Likely risk allele for Neonatal insulin-dependent diabetes mellitus. Review status: criteria provided, single submitter. Criteria: K & H Uppaluri Personalized Medicine Clinic Variant Classification & Assertion Criteria_Updated V.1. Collection method: research. Allele origin: unknown.
Comment: Mutations in INS gene can cause early onset diabetes mellitus which is insulin dependent. May have poor response to sulfonylureas, as this mutation can cause beta cell destruction. However no sufficient evidence is found to ascertain the role of this particular variant rs797045623, yet.

Clinical Genomics, Uppaluri K&H Personalized Medicine Clinic
Classification: Likely risk allele for Diabetes mellitus, permanent neonatal 4. Review status: criteria provided, single submitter. Criteria: K &amp; H Uppaluri Personalized Medicine Clinic Variant Classification &amp; Assertion Criteria_Updated V.1. Collection method: research. Allele origin: unknown. Inheritance: Autosomal dominant inheritance.
Comment: Potent mutations in the INS gene can cause early onset diabetes mellitus which is insulin dependent. May have poor response to sulfonylureas, mutations in this gene can cause beta cell destruction.Sufficient evidence is found to confer the association of this particular variant c.188-31G>A/rs797045623 with neonatal diabetes.

Literature cited by the submitters: PubMed 22235272 (cited by Labcorp Genetics (formerly Invitae), Labcorp); PubMed 24622368 (cited by Labcorp Genetics (formerly Invitae), Labcorp); PubMed 25721872 (cited by Labcorp Genetics (formerly Invitae), Labcorp); PubMed 30414308 (cited by Labcorp Genetics (formerly Invitae), Labcorp); PubMed 11921414 (cited by Clinical Genomics, Uppaluri K&H Personalized Medicine Clinic); PubMed 25542748 (cited by Clinical Genomics, Uppaluri K&H Personalized Medicine Clinic); PubMed 26101329 (cited by Clinical Genomics, Uppaluri K&H Personalized Medicine Clinic); PubMed 18171712 (cited by Clinical Genomics, Uppaluri K&H Personalized Medicine Clinic).

NM_000207.3(INS):c.188-31G>A

Genes: INS (insulin; minus strand), INS-IGF2 (INS-IGF2 readthrough; minus strand). Cytogenetic location: 11p15.5.
Variant type: single nucleotide variant.
Coding change: c.188-31G>A on transcript NM_000207.3 (MANE Select); 31 bases into the intron before coding-DNA position 188, G replaced by A.
Molecular consequence: intron variant.
Genome position (GRCh38, 1-based): chr11:2,160,028, C>T on the plus strand (G>A on the coding strand, the complement: INS is on the minus strand). VCF-style: chr11-2160028-C-T. GRCh37 (hg19) VCF-style: chr11-2181258-C-T.
Other names: c.187+757G>A (NM_001042376.3); c.188-31G>A (NM_001185097.2, NM_001291897.2, NM_001185098.2).
Identifiers: ClinVar variation 211186 (VCV000211186.23), dbSNP rs797045623, ClinGen allele CA277088.